The following is an entry in ClinVar:

ClinVar aggregate classification (germline): Uncertain significance (1 of 4 stars; one submission).

Allele frequency attached by ClinVar (database versions not stated): gnomAD 0.00002; ExAC 0.00003; ESP Exome Variant Server 0.00008.
gnomAD v4.1: 115 of 1,613,686 alleles (0.0071%); highest among the groups gnomAD compares: Non-Finnish European, 0.0091%; no homozygotes.

Submission:

Labcorp Genetics (formerly Invitae), Labcorp
Classification: Uncertain significance. Last evaluated: 2022-05-08. Review status: criteria provided, single submitter. Criteria: Invitae Variant Classification Sherloc (09022015). Collection method: clinical testing. Allele origin: germline.
Comment: This sequence change replaces glutamic acid, which is acidic and polar, with lysine, which is basic and polar, at codon 1012 of the TMPRSS15 protein (p.Glu1012Lys). This variant is present in population databases (rs146494364, gnomAD 0.006%). This variant has not been reported in the literature in individuals affected with TMPRSS15-related conditions. Algorithms developed to predict the effect of missense changes on protein structure and function output the following: SIFT: "Not Available"; PolyPhen-2: "Benign"; Align-GVGD: "Not Available". The lysine amino acid residue is found in multiple mammalian species, which suggests that this missense change does not adversely affect protein function. In summary, the available evidence is currently insufficient to determine the role of this variant in disease. Therefore, it has been classified as a Variant of Uncertain Significance.

NM_002772.3(TMPRSS15):c.3034G>A (p.Glu1012Lys)

Gene: TMPRSS15 (transmembrane serine protease 15; minus strand). Cytogenetic location: 21q21.1.
Variant type: single nucleotide variant.
Coding change: c.3034G>A on transcript NM_002772.3 (MANE Select); coding-DNA position 3034, G replaced by A.
Protein change: p.Glu1012Lys; replaces glutamic acid 1012 with lysine.
Molecular consequence: missense variant.
Genome position (GRCh38, 1-based): chr21:18,269,995, C>T on the plus strand (G>A on the coding strand, the complement: TMPRSS15 is on the minus strand). VCF-style: chr21-18269995-C-T. GRCh37 (hg19) VCF-style: chr21-19642312-C-T.
Other names: short protein forms E1012K.
Identifiers: ClinVar variation 2058153 (VCV002058153.1), dbSNP rs146494364, ClinGen allele CA9983832.